The following is an entry in ClinVar:

NM_000051.4(ATM):c.2052G>C (p.Gln684His)

Gene: ATM (ATM serine/threonine kinase; plus strand). Cytogenetic location: 11q22.3.
Variant type: single nucleotide variant.
Coding change: c.2052G>C on transcript NM_000051.4 (MANE Select); coding-DNA position 2052, G replaced by C.
Protein change: p.Gln684His; replaces glutamine 684 with histidine.
Molecular consequence: missense variant.
Genome position (GRCh38, 1-based): chr11:108,253,967, G>C. VCF-style: chr11-108253967-G-C. GRCh37 (hg19) VCF-style: chr11-108124694-G-C.
Other names: c.2052G>C, p.Gln684His (NM_001351834.2); short protein forms Q684H.
Identifiers: ClinVar variation 221183 (VCV000221183.10), dbSNP rs775890872, ClinGen allele CA348859.

ClinVar aggregate classification (germline): Uncertain significance. Review status: criteria provided, multiple submitters, no conflicts (2 of 4 stars). 3 submissions from 3 submitters: Uncertain significance (3). Last evaluated 2025-06-23.

Conditions:
Hereditary cancer-predisposing syndrome. Also called: Tumor predisposition; Hereditary neoplastic syndrome; Neoplastic Syndromes, Hereditary; Hereditary Cancer Syndrome. Identifiers: Orphanet 140162, MedGen C0027672, MeSH D009386, MONDO:0015356.
Ataxia-telangiectasia syndrome (AT). Also called: Ataxia-telangiectasia, complementation group E; AT, COMPLEMENTATION GROUP C; ATAXIA-TELANGIECTASIA, COMPLEMENTATION GROUP A; ATAXIA-TELANGIECTASIA, FRESNO VARIANT; Ataxia-telangiectasia; LOUIS-BAR SYNDROME. Identifiers: Orphanet 100, MedGen C0004135, MONDO:0008840, OMIM 208900.

Allele frequency attached by ClinVar (database versions not stated): gnomAD exomes below 0.00001; ExAC 0.00001.

Submissions (3):

Labcorp Genetics (formerly Invitae), Labcorp
Classification: Uncertain significance for Ataxia-telangiectasia syndrome. Last evaluated: 2025-06-23. Review status: criteria provided, single submitter. Criteria: Invitae Variant Classification Sherloc (09022015). Collection method: clinical testing. Allele origin: germline.
Comment: This sequence change replaces glutamine, which is neutral and polar, with histidine, which is basic and polar, at codon 684 of the ATM protein (p.Gln684His). This variant is present in population databases (rs775890872, gnomAD 0.006%). This variant has not been reported in the literature in individuals affected with ATM-related conditions. ClinVar contains an entry for this variant (Variation ID: 221183). Invitae Evidence Modeling of protein sequence and biophysical properties (such as structural, functional, and spatial information, amino acid conservation, physicochemical variation, residue mobility, and thermodynamic stability) indicates that this missense variant is not expected to disrupt ATM protein function with a negative predictive value of 95%. In summary, the available evidence is currently insufficient to determine the role of this variant in disease. Therefore, it has been classified as a Variant of Uncertain Significance.

Ambry Genetics
Classification: Uncertain significance for Hereditary cancer-predisposing syndrome. Last evaluated: 2023-12-14. Review status: criteria provided, single submitter. Criteria: Ambry Variant Classification Scheme 2023. Collection method: clinical testing. Allele origin: germline.
Comment: The p.Q684H variant (also known as c.2052G>C), located in coding exon 12 of the ATM gene, results from a G to C substitution at nucleotide position 2052. The glutamine at codon 684 is replaced by histidine, an amino acid with highly similar properties. This amino acid position is conserved. In addition, this alteration is predicted to be tolerated by in silico analysis. Since supporting evidence is limited at this time, the clinical significance of this alteration remains unclear.

GeneDx
Classification: Uncertain significance. Last evaluated: 2021-05-21. Review status: criteria provided, single submitter. Criteria: GeneDx Variant Classification Process June 2021. Collection method: clinical testing. Allele origin: germline. Affected: yes.
Comment: Not observed in large population cohorts (Lek et al., 2016); In silico analysis supports that this missense variant does not alter protein structure/function; Has not been previously published as pathogenic or benign to our knowledge